The following is an entry in ClinVar:

ClinVar aggregate classification (germline): Uncertain significance (1 of 4 stars; one submission).

Conditions:
Epilepsy, familial focal, with variable foci 3 (FFEVF3). Identifiers: MedGen C4310708, MONDO:0014925, OMIM 617118.

Allele frequency attached by ClinVar (database versions not stated): TOPMed below 0.00001.
gnomAD v4.1: 3 of 1,608,356 alleles (0.00019%); highest among the groups gnomAD compares: Non-Finnish European, 0.00025%; no homozygotes.

Submission:

Labcorp Genetics (formerly Invitae), Labcorp
Classification: Uncertain significance for Epilepsy, familial focal, with variable foci 3. Last evaluated: 2023-06-04. Review status: criteria provided, single submitter. Criteria: Invitae Variant Classification Sherloc (09022015). Collection method: clinical testing. Allele origin: germline.
Comment: This sequence change replaces arginine, which is basic and polar, with glutamine, which is neutral and polar, at codon 165 of the NPRL3 protein (p.Arg165Gln). The frequency data for this variant in the population databases is considered unreliable, as metrics indicate poor data quality at this position in the gnomAD database. This variant has not been reported in the literature in individuals affected with NPRL3-related conditions. Advanced modeling of protein sequence and biophysical properties (such as structural, functional, and spatial information, amino acid conservation, physicochemical variation, residue mobility, and thermodynamic stability) performed at Invitae indicates that this missense variant is not expected to disrupt NPRL3 protein function. In summary, the available evidence is currently insufficient to determine the role of this variant in disease. Therefore, it has been classified as a Variant of Uncertain Significance.

NM_001077350.3(NPRL3):c.494G>A (p.Arg165Gln)

Genes: HBA-LCR (alpha-globin locus control region; plus strand), NPRL3 (NPR3 like, GATOR1 complex subunit; minus strand). Cytogenetic location: 16p13.3.
Variant type: single nucleotide variant.
Coding change: c.494G>A on transcript NM_001077350.3 (MANE Select); coding-DNA position 494, G replaced by A.
Protein change: p.Arg165Gln; replaces arginine 165 with glutamine.
Molecular consequence: missense variant. On other transcripts: 5 prime UTR variant (1).
Genome position (GRCh38, 1-based): chr16:112,675, C>T on the plus strand (G>A on the coding strand, the complement: NPRL3 is on the minus strand). VCF-style: chr16-112675-C-T. GRCh37 (hg19) VCF-style: chr16-162674-C-T.
Other names: c.-44G>A (NM_001039476.3); c.260G>A, p.Arg87Gln (NM_001243247.2); c.419G>A, p.Arg140Gln (NM_001243248.2, NM_001243249.2); short protein forms R140Q, R165Q, R87Q.
Identifiers: ClinVar variation 2972097 (VCV002972097.3), dbSNP rs770570210, ClinGen allele CA7769649.